The following is an entry in ClinVar:

NM_001365536.1(SCN9A):c.5559T>A (p.Ser1853Arg)

Genes: SCN9A (sodium voltage-gated channel alpha subunit 9; minus strand), SCN1A-AS1 (SCN1A and SCN9A antisense RNA 1; plus strand). Cytogenetic location: 2q24.3.
Variant type: single nucleotide variant.
Coding change: c.5559T>A on transcript NM_001365536.1 (MANE Select); coding-DNA position 5559, T replaced by A.
Protein change: p.Ser1853Arg; replaces serine 1853 with arginine.
Molecular consequence: missense variant.
Genome position (GRCh38, 1-based): chr2:166,199,080, A>T on the plus strand (T>A on the coding strand, the complement: SCN9A is on the minus strand). VCF-style: chr2-166199080-A-T. GRCh37 (hg19) VCF-style: chr2-167055590-A-T.
Other names: c.5526T>A, p.Ser1842Arg (NM_002977.4); short protein forms S1853R, S1842R.
Identifiers: ClinVar variation 2108707 (VCV002108707.5), dbSNP rs1366858788, ClinGen allele CA349052333.

ClinVar aggregate classification (germline): Uncertain significance. Review status: criteria provided, multiple submitters, no conflicts (2 of 4 stars). 2 submissions from 2 submitters: Uncertain significance (2). Last evaluated 2024-06-19.

Conditions:
Neuropathy, hereditary sensory and autonomic, type 2A (HSAN2A). Also called: WNK1-Related HSAN2 (HSAN2A); HSAN IIA; ACROOSTEOLYSIS, GIACCAI TYPE; ACROOSTEOLYSIS, NEUROGENIC; MORVAN DISEASE; NEUROPATHY, CONGENITAL SENSORY. Identifiers: Orphanet 970, MedGen C2752089, MONDO:0024309, OMIM 201300.
Generalized epilepsy with febrile seizures plus, type 7 (GEFSP7). Also called: GEFS+, TYPE 7. Identifiers: Orphanet 36387, MedGen C2751778, MONDO:0013470, OMIM 613863.
Inborn genetic diseases. Identifiers: MedGen C0950123, MeSH D030342.

Allele frequency attached by ClinVar (database versions not stated): TOPMed below 0.00001; gnomAD 0.00001.
gnomAD v4.1: 1 of 1,613,890 alleles (0.000062%); highest among the groups gnomAD compares: Non-Finnish European, 0.000085%; no homozygotes.

Submissions (2):

Ambry Genetics
Classification: Uncertain significance for Inborn genetic diseases. Last evaluated: 2024-06-19. Review status: criteria provided, single submitter. Criteria: Ambry Variant Classification Scheme 2023. Collection method: clinical testing. Allele origin: germline.

Labcorp Genetics (formerly Invitae), Labcorp
Classification: Uncertain significance for Neuropathy, hereditary sensory and autonomic, type 2A; Generalized epilepsy with febrile seizures plus, type 7. Last evaluated: 2023-05-16. Review status: criteria provided, single submitter. Criteria: Invitae Variant Classification Sherloc (09022015). Collection method: clinical testing. Allele origin: germline.
Comment: This sequence change replaces serine, which is neutral and polar, with arginine, which is basic and polar, at codon 1842 of the SCN9A protein (p.Ser1842Arg). This variant is not present in population databases (gnomAD no frequency). This variant has not been reported in the literature in individuals affected with SCN9A-related conditions. ClinVar contains an entry for this variant (Variation ID: 2108707). Advanced modeling of protein sequence and biophysical properties (such as structural, functional, and spatial information, amino acid conservation, physicochemical variation, residue mobility, and thermodynamic stability) performed at Invitae indicates that this missense variant is not expected to disrupt SCN9A protein function. In summary, the available evidence is currently insufficient to determine the role of this variant in disease. Therefore, it has been classified as a Variant of Uncertain Significance.